The following is an entry in ClinVar:

NM_198253.3(TERT):c.569C>G (p.Ala190Gly)

Gene: TERT (telomerase reverse transcriptase; minus strand). Cytogenetic location: 5p15.33.
Variant type: single nucleotide variant.
Coding change: c.569C>G on transcript NM_198253.3 (MANE Select); coding-DNA position 569, C replaced by G.
Protein change: p.Ala190Gly; replaces alanine 190 with glycine.
Molecular consequence: missense variant. On other transcripts: non-coding transcript variant (2).
Genome position (GRCh38, 1-based): chr5:1,294,317, G>C on the plus strand (C>G on the coding strand, the complement: TERT is on the minus strand). VCF-style: chr5-1294317-G-C. GRCh37 (hg19) VCF-style: chr5-1294432-G-C.
Other names: c.569C>G, p.Ala190Gly (NM_001193376.3, NM_003219.1); short protein forms A190G.
Identifiers: ClinVar variation 2948309 (VCV002948309.4), dbSNP rs781435225, ClinGen allele CA359057432.
Genomic context (GRCh38, chr5:1,294,317, plus strand): 5'-GCCTCCCTGACGCTATGGTTCCAGGCCCGTTCGCATCCCAGACGCCTTCGGGGTCCACTA[G>C]CGTGTGGCGGGGGCCGGGCCTGAGTGGCAGCGCCGAGCTGGTACAGCGGCGGCCCGCACA-3'
Protein context (NP_937983.2, residues 180-200): AATQARPPPH[Ala190Gly]SGPRRRLGCE

ClinVar aggregate classification (germline): Uncertain significance. Review status: criteria provided, multiple submitters, no conflicts (2 of 4 stars). 2 submissions from 2 submitters: Uncertain significance (2). Last evaluated 2026-03-14.

Conditions:
Dyskeratosis congenita. Identifiers: Orphanet 1775, MedGen C0265965, MONDO:0015780.
Dyskeratosis congenita, autosomal dominant 2. Identifiers: MedGen C3151443, MONDO:0013521, OMIM 613989.
Idiopathic Pulmonary Fibrosis. Also called: Idiopathic fibrosing alveolitis, chronic form; idiopathic fibrosing alveolitis. Identifiers: Orphanet 2032, MedGen C1800706, MeSH D054990, MONDO:0800504.

Submissions (2):

Ambry Genetics
Classification: Uncertain significance for Dyskeratosis congenita. Last evaluated: 2026-03-14. Review status: criteria provided, single submitter. Criteria: Ambry Variant Classification Scheme 2023. Collection method: clinical testing. Allele origin: germline.
Comment: The p.A190G variant (also known as c.569C>G), located in coding exon 2 of the TERT gene, results from a C to G substitution at nucleotide position 569. The alanine at codon 190 is replaced by glycine, an amino acid with similar properties. This amino acid position is conserved. In addition, this alteration is predicted to be tolerated by in silico analysis. Based on the available evidence, the clinical significance of this variant remains unclear.

Labcorp Genetics (formerly Invitae), Labcorp
Classification: Uncertain significance for Dyskeratosis congenita, autosomal dominant 2; Idiopathic Pulmonary Fibrosis. Last evaluated: 2023-11-27. Review status: criteria provided, single submitter. Criteria: Invitae Variant Classification Sherloc (09022015). Collection method: clinical testing. Allele origin: germline.
Comment: This sequence change replaces alanine, which is neutral and non-polar, with glycine, which is neutral and non-polar, at codon 190 of the TERT protein (p.Ala190Gly). This variant is not present in population databases (gnomAD no frequency). This variant has not been reported in the literature in individuals affected with TERT-related conditions. Advanced modeling of protein sequence and biophysical properties (such as structural, functional, and spatial information, amino acid conservation, physicochemical variation, residue mobility, and thermodynamic stability) has been performed at Invitae for this missense variant, however the output from this modeling did not meet the statistical confidence thresholds required to predict the impact of this variant on TERT protein function. In summary, the available evidence is currently insufficient to determine the role of this variant in disease. Therefore, it has been classified as a Variant of Uncertain Significance.